The following is an entry in ClinVar:

NM_001127178.3(PIGG):c.1465A>G (p.Ile489Val)

Gene: PIGG (phosphatidylinositol glycan anchor biosynthesis class G (EMM blood group); plus strand). Cytogenetic location: 4p16.3.
Variant type: single nucleotide variant.
Coding change: c.1465A>G on transcript NM_001127178.3 (MANE Select); coding-DNA position 1465, A replaced by G.
Protein change: p.Ile489Val; replaces isoleucine 489 with valine.
Molecular consequence: missense variant. On other transcripts: 3 prime UTR variant (2), 5 prime UTR variant (2), non-coding transcript variant (10).
Genome position (GRCh38, 1-based): chr4:521,792, A>G. VCF-style: chr4-521792-A-G. GRCh37 (hg19) VCF-style: chr4-515581-A-G.
Other names: c.1198A>G, p.Ile400Val (NM_001289051.2, NM_001289053.2, NM_001345986.2); c.1066A>G, p.Ile356Val (NM_001289052.2); c.*27A>G (NM_001289055.2); c.*80A>G (NM_001289057.2); c.1174A>G, p.Ile392Val (NM_001345987.2); c.436A>G, p.Ile146Val (NM_001345988.2); c.1465A>G, p.Ile489Val (NM_001345989.2); c.-69A>G (NM_001345990.2, NM_001345991.2); and 3 more; short protein forms I123V, I392V, I400V, I146V, I356V, I481V, I489V.
Identifiers: ClinVar variation 2153719 (VCV002153719.5), dbSNP rs748037957, ClinGen allele CA2793323.
Genomic context (GRCh38, chr4:521,792, plus strand): 5'-TCTCCTGGGTTTTCTCTGCTCTTTTATTTGGTGATCCTGGTTCTTTCGGCCGTTCACGTC[A>G]TTGTGTGCACCTCAGCTGAAAGTTCGTGCTACTTCTGTGGCCTCTCGTGGCTGGCGGCAG-3'
Protein context (NP_001120650.1, residues 479-499): VILVLSAVHV[Ile489Val]VCTSAESSCY

ClinVar aggregate classification (germline): Conflicting classifications of pathogenicity. Review status: criteria provided, conflicting classifications (1 of 4 stars). 2 submissions from 2 submitters: Uncertain significance (1); Likely benign (1). Last evaluated 2023-12-27.

Conditions:
Intellectual disability, autosomal recessive 53 (NEDHSCA). Also called: GLYCOSYLPHOSPHATIDYLINOSITOL BIOSYNTHESIS DEFECT 13; Mental retardation, autosomal recessive 53; NEURODEVELOPMENTAL DISORDER WITH OR WITHOUT HYPOTONIA, SEIZURES, AND CEREBELLAR ATROPHY. Identifiers: Orphanet 488635, MedGen C4310794, MONDO:0014832, OMIM 616917.
Inborn genetic diseases. Identifiers: MedGen C0950123, MeSH D030342.

Allele frequency attached by ClinVar (database versions not stated): gnomAD exomes 0.00001; gnomAD 0.00003; TOPMed 0.00003; ExAC 0.00007.
gnomAD v4.1: 19 of 1,613,924 alleles (0.0012%); highest among the groups gnomAD compares: East Asian, 0.042%; no homozygotes.

Submissions (2):

Ambry Genetics
Classification: Likely benign for Inborn genetic diseases. Last evaluated: 2023-12-27. Review status: criteria provided, single submitter. Criteria: Ambry Variant Classification Scheme 2023. Collection method: clinical testing. Allele origin: germline.

Labcorp Genetics (formerly Invitae), Labcorp
Classification: Uncertain significance for Intellectual disability, autosomal recessive 53. Last evaluated: 2022-04-04. Review status: criteria provided, single submitter. Criteria: Invitae Variant Classification Sherloc (09022015). Collection method: clinical testing. Allele origin: germline.
Comment: In summary, the available evidence is currently insufficient to determine the role of this variant in disease. Therefore, it has been classified as a Variant of Uncertain Significance. Algorithms developed to predict the effect of missense changes on protein structure and function output the following: SIFT: "Tolerated"; PolyPhen-2: "Benign"; Align-GVGD: "Class C0". The valine amino acid residue is found in multiple mammalian species, which suggests that this missense change does not adversely affect protein function. This variant has not been reported in the literature in individuals affected with PIGG-related conditions. This variant is present in population databases (rs748037957, gnomAD 0.1%). This sequence change replaces isoleucine, which is neutral and non-polar, with valine, which is neutral and non-polar, at codon 489 of the PIGG protein (p.Ile489Val).